The following is an entry in ClinVar:

ClinVar aggregate classification (germline): Uncertain significance. Review status: criteria provided, multiple submitters, no conflicts (2 of 4 stars). 4 submissions from 4 submitters: Uncertain significance (4). Last evaluated 2026-09-26.

Conditions:
FGFR3-related chondrodysplasia. Identifiers: Orphanet 93420, MedGen C5681604, MONDO:0019685.
FGFR3-related disorder. Also called: FGFR3-related disorders.

Allele frequency attached by ClinVar (database versions not stated): gnomAD exomes 0.00001; TOPMed 0.00002; gnomAD 0.00004.
gnomAD v4.1: 15 of 1,613,054 alleles (0.00093%); highest among the groups gnomAD compares: African/African-American, 0.0053%; no homozygotes.

Submissions (4):

PreventionGenetics, part of Exact Sciences
Classification: Uncertain significance for FGFR3-related condition. Last evaluated: 2026-09-26. Review status: criteria provided, single submitter. Criteria: ACMG Guidelines, 2015. Collection method: clinical testing. Allele origin: germline.
Comment: The FGFR3 c.1148T>G variant is predicted to result in the amino acid substitution p.Phe383Cys. To our knowledge, this variant has not been reported in the literature or in a large population database (gnomAD), indicating this variant is rare. At this time, the clinical significance of this variant is uncertain due to the absence of conclusive functional and genetic evidence.

Genomenon, Inc
Classification: Uncertain significance for FGFR3-related chondrodysplasia. Last evaluated: 2026-06-23. Review status: criteria provided, single submitter. Criteria: Genomenon Sequence Variant Interpretation Standards - Updated. Collection method: curation. Allele origin: germline. Affected: no.
Comment: FGFR3 p.Phe383Cys (c.1148T>G) is a missense variant that changes the amino acid at codon 383 from Phenylalanine to Cysteine. This variant has been reported in the published literature (PMID:16411219). It is absent or not present at a significant frequency in gnomAD. In silico models predict that this variant is not damaging. In conclusion, we classify FGFR3 p.Phe383Cys (c.1148T>G) as a variant of uncertain significance.

Labcorp Genetics (formerly Invitae), Labcorp
Classification: Uncertain significance. Last evaluated: 2025-12-01. Review status: criteria provided, single submitter. Criteria: Invitae Variant Classification Sherloc (09022015). Collection method: clinical testing. Allele origin: germline.
Comment: This sequence change replaces phenylalanine, which is neutral and non-polar, with cysteine, which is neutral and slightly polar, at codon 383 of the FGFR3 protein (p.Phe383Cys). This variant is not present in population databases (gnomAD no frequency). This variant has not been reported in the literature in individuals affected with FGFR3-related conditions. ClinVar contains an entry for this variant (Variation ID: 1800763). Invitae Evidence Modeling of protein sequence and biophysical properties (such as structural, functional, and spatial information, amino acid conservation, physicochemical variation, residue mobility, and thermodynamic stability) indicates that this missense variant is not expected to disrupt FGFR3 protein function with a negative predictive value of 80%. In summary, the available evidence is currently insufficient to determine the role of this variant in disease. Therefore, it has been classified as a Variant of Uncertain Significance.

GeneDx
Classification: Uncertain significance. Last evaluated: 2022-05-17. Review status: criteria provided, single submitter. Criteria: GeneDx Variant Classification Process June 2021. Collection method: clinical testing. Allele origin: germline. Affected: yes.
Comment: Reported with a pathogenic variant on the opposite allele (in trans) in a patient with achondroplasia in published literature (Rump et al., 2006); the p.(F383C) variant was inherited from the patient's unaffected mother; Not observed at significant frequency in large population cohorts (gnomAD); In silico analysis supports that this missense variant does not alter protein structure/function; This variant is associated with the following publications: (PMID: Concolino1999[poster], 16411219)

Literature cited by the submitters: PubMed 16411219 (cited by Genomenon, Inc).

NM_000142.5(FGFR3):c.1148T>G (p.Phe383Cys)

Gene: FGFR3 (fibroblast growth factor receptor 3; plus strand). Cytogenetic location: 4p16.3.
Variant type: single nucleotide variant.
Coding change: c.1148T>G on transcript NM_000142.5 (MANE Select); coding-DNA position 1148, T replaced by G.
Protein change: p.Phe383Cys; replaces phenylalanine 383 with cysteine.
Molecular consequence: missense variant. On other transcripts: non-coding transcript variant (1), intron variant (1).
Genome position (GRCh38, 1-based): chr4:1,804,402, T>G. VCF-style: chr4-1804402-T-G. GRCh37 (hg19) VCF-style: chr4-1806129-T-G.
Other names: c.1154T>G, p.Phe385Cys (NM_001163213.2); c.1148T>G, p.Phe383Cys (NM_001354809.2, NM_001354810.2); c.931-422T>G (NM_022965.4); short protein forms F383C, F385C.
Identifiers: ClinVar variation 1800763 (VCV001800763.6), dbSNP rs11943863, ClinGen allele CA91253903.